The following is an entry in ClinVar:

NM_177438.3(DICER1):c.1507G>C (p.Glu503Gln)

Gene: DICER1 (dicer 1, ribonuclease III; minus strand). Cytogenetic location: 14q32.13.
Variant type: single nucleotide variant.
Coding change: c.1507G>C on transcript NM_177438.3 (MANE Select); coding-DNA position 1507, G replaced by C.
Protein change: p.Glu503Gln; replaces glutamic acid 503 with glutamine.
Molecular consequence: missense variant.
Genome position (GRCh38, 1-based): chr14:95,117,624, C>G on the plus strand (G>C on the coding strand, the complement: DICER1 is on the minus strand). VCF-style: chr14-95117624-C-G. GRCh37 (hg19) VCF-style: chr14-95583961-C-G.
Other names: c.1507G>C, p.Glu503Gln (NM_001195573.1, NM_001271282.3, NM_001291628.2 and 1 more transcripts); short protein forms E503Q.
Identifiers: ClinVar variation 543599 (VCV000543599.10), dbSNP rs137852977, ClinGen allele CA390885370.

ClinVar aggregate classification (germline): Uncertain significance (1 of 4 stars; one submission).

Conditions:
DICER1-related tumor predisposition. Also called: DICER1-related pleuropulmonary blastoma cancer predisposition syndrome; DICER1 syndrome. Identifiers: Orphanet 284343, MedGen C3839822, MONDO:0100216.

Submission:

Labcorp Genetics (formerly Invitae), Labcorp
Classification: Uncertain significance for DICER1-related tumor predisposition. Last evaluated: 2017-12-17. Review status: criteria provided, single submitter. Criteria: Invitae Variant Classification Sherloc (09022015). Collection method: clinical testing. Allele origin: germline.
Comment: In summary, the available evidence is currently insufficient to determine the role of this variant in disease. Therefore, it has been classified as a Variant of Uncertain Significance. Algorithms developed to predict the effect of missense changes on protein structure and function (SIFT, PolyPhen-2, Align-GVGD) all suggest that this variant is likely to be disruptive, but these predictions have not been confirmed by published functional studies and their clinical significance is uncertain. This variant has not been reported in the literature in individuals with DICER1-related disease. This variant is not present in population databases (ExAC no frequency). This sequence change replaces glutamic acid with glutamine at codon 503 of the DICER1 protein (p.Glu503Gln). The glutamic acid residue is highly conserved and there is a small physicochemical difference between glutamic acid and glutamine.